The following is an entry in ClinVar:

NM_000322.5(PRPH2):c.1009G>A (p.Ala337Thr)

Gene: PRPH2 (peripherin 2; minus strand). Cytogenetic location: 6p21.1.
Variant type: single nucleotide variant.
Coding change: c.1009G>A on transcript NM_000322.5 (MANE Select); coding-DNA position 1009, G replaced by A.
Protein change: p.Ala337Thr; replaces alanine 337 with threonine.
Molecular consequence: missense variant.
Genome position (GRCh38, 1-based): chr6:42,698,327, C>T on the plus strand (G>A on the coding strand, the complement: PRPH2 is on the minus strand). VCF-style: chr6-42698327-C-T. GRCh37 (hg19) VCF-style: chr6-42666065-C-T.
Other names: short protein forms A337T.
Identifiers: ClinVar variation 1175306 (VCV001175306.1), dbSNP rs955930526, ClinGen allele CA364132652.
Genomic context (GRCh38, chr6:42,698,327, plus strand): 5'-GTTCGGGAGGGGAGGGGCCCCAGGGCCCTCAGCCAGCCTCTGGGGCCTGGCCTGCGTCTG[C>T]GCCCTCGGCTTCCACCTGGTTGCCCTTGCCCAGCTTCTTCACACTCTCCAGAAAGGCCTT-3'
Protein context (NP_000313.2, residues 327-346): GKGNQVEAEG[Ala337Thr]DAGQAPEAG

ClinVar aggregate classification (germline): Uncertain significance (0 of 4 stars; one submission).

Allele frequency attached by ClinVar (database versions not stated): gnomAD exomes below 0.00001.
gnomAD v4.1: 7 of 1,613,856 alleles (0.00043%); highest among the groups gnomAD compares: Middle Eastern, 0.066%; 1 homozygote.

Submission:

Leiden Open Variation Database
Classification: Uncertain significance. Last evaluated: 2021-04-06. Review status: no assertion criteria provided. Collection method: curation. Allele origin: germline. Affected: yes.
Comment: Curator: Global Variome, with Curator vacancy. Submitter to LOVD: Manon Peeters.

Literature cited by the submitters: PubMed 25312462.